The following is an entry in ClinVar:

NM_153676.4(USH1C):c.74A>G (p.Tyr25Cys)

Gene: USH1C (USH1 protein network component harmonin; minus strand). Cytogenetic location: 11p15.1.
Variant type: single nucleotide variant.
Coding change: c.74A>G on transcript NM_153676.4 (MANE Select); coding-DNA position 74, A replaced by G.
Protein change: p.Tyr25Cys; replaces tyrosine 25 with cysteine.
Molecular consequence: missense variant. On other transcripts: non-coding transcript variant (1).
Genome position (GRCh38, 1-based): chr11:17,533,285, T>C on the plus strand (A>G on the coding strand, the complement: USH1C is on the minus strand). VCF-style: chr11-17533285-T-C. GRCh37 (hg19) VCF-style: chr11-17554832-T-C.
Other names: c.74A>G, p.Tyr25Cys (NM_001297764.2, NM_005709.4); c.74A>G (NM_153676.3); short protein forms Y25C.
Identifiers: ClinVar variation 1403100 (VCV001403100.4), dbSNP rs536191185, ClinGen allele CA5905189.

ClinVar aggregate classification (germline): Uncertain significance. Review status: criteria provided, multiple submitters, no conflicts (2 of 4 stars). 2 submissions from 2 submitters: Uncertain significance (2). Last evaluated 2025-09-04.

Conditions:
USH1C-related disorder. Also called: USH1C-related condition.

Allele frequency attached by ClinVar (database versions not stated): ExAC 0.00001; gnomAD exomes 0.00001; TOPMed 0.00005; gnomAD 0.00006; 1000 Genomes Project 30x 0.00016; 1000 Genomes Project 0.00020.
gnomAD v4.1: 17 of 1,613,678 alleles (0.0011%); highest among the groups gnomAD compares: African/African-American, 0.02%; no homozygotes.

Submissions (2):

PreventionGenetics, part of Exact Sciences
Classification: Uncertain significance for USH1C-related condition. Last evaluated: 2025-09-04. Review status: criteria provided, single submitter. Criteria: ACMG Guidelines, 2015. Collection method: clinical testing. Allele origin: germline.
Comment: The USH1C c.74A>G variant is predicted to result in the amino acid substitution p.Tyr25Cys. To our knowledge, this variant has not been reported in the literature. This variant is reported in 0.016% of alleles in individuals of African descent in gnomAD. At this time, the clinical significance of this variant is uncertain due to the absence of conclusive functional and genetic evidence.

Labcorp Genetics (formerly Invitae), Labcorp
Classification: Uncertain significance. Last evaluated: 2021-11-28. Review status: criteria provided, single submitter. Criteria: Invitae Variant Classification Sherloc (09022015). Collection method: clinical testing. Allele origin: germline.
Comment: This sequence change replaces tyrosine, which is neutral and polar, with cysteine, which is neutral and slightly polar, at codon 25 of the USH1C protein (p.Tyr25Cys). This variant is present in population databases (rs536191185, gnomAD 0.02%). This variant has not been reported in the literature in individuals affected with USH1C-related conditions. Algorithms developed to predict the effect of missense changes on protein structure and function are either unavailable or do not agree on the potential impact of this missense change (SIFT: "Tolerated"; PolyPhen-2: "Probably Damaging"; Align-GVGD: "Class C0"). In summary, the available evidence is currently insufficient to determine the role of this variant in disease. Therefore, it has been classified as a Variant of Uncertain Significance.